The following is an entry in ClinVar:

ClinVar aggregate classification (germline): Uncertain significance (1 of 4 stars; one submission).

Submission:

Labcorp Genetics (formerly Invitae), Labcorp
Classification: Uncertain significance. Last evaluated: 2021-11-22. Review status: criteria provided, single submitter. Criteria: Invitae Variant Classification Sherloc (09022015). Collection method: clinical testing. Allele origin: germline.
Comment: In summary, the available evidence is currently insufficient to determine the role of this variant in disease. Therefore, it has been classified as a Variant of Uncertain Significance. Algorithms developed to predict the effect of missense changes on protein structure and function are either unavailable or do not agree on the potential impact of this missense change (SIFT: "Deleterious"; PolyPhen-2: "Benign"; Align-GVGD: "Class C65"). This variant has not been reported in the literature in individuals affected with HERC1-related conditions. This variant is not present in population databases (gnomAD no frequency). This sequence change replaces asparagine, which is neutral and polar, with isoleucine, which is neutral and non-polar, at codon 2951 of the HERC1 protein (p.Asn2951Ile).

NM_003922.4(HERC1):c.8852A>T (p.Asn2951Ile)

Gene: HERC1 (HECT and RLD domain containing E3 ubiquitin protein ligase family member 1; minus strand). Cytogenetic location: 15q22.31.
Variant type: single nucleotide variant.
Coding change: c.8852A>T on transcript NM_003922.4 (MANE Select); coding-DNA position 8852, A replaced by T.
Protein change: p.Asn2951Ile; replaces asparagine 2951 with isoleucine.
Molecular consequence: missense variant.
Genome position (GRCh38, 1-based): chr15:63,663,033, T>A on the plus strand (A>T on the coding strand, the complement: HERC1 is on the minus strand). VCF-style: chr15-63663033-T-A. GRCh37 (hg19) VCF-style: chr15-63955232-T-A.
Other names: short protein forms N2951I.
Identifiers: ClinVar variation 1352879 (VCV001352879.6), dbSNP rs761739102, ClinGen allele CA392762208.